The following is an entry in ClinVar:

NC_000001.11:g.(?_3815382)_(3852427_?)del

Genes: CEP104 (centrosomal protein 104; minus strand), LOC126805586 (CDK7 strongly-dependent group 2 enhancer GRCh37_chr1:3745882-3747081; plus strand), LOC126805587 (BRD4-independent group 4 enhancer GRCh37_chr1:3747165-3748364; plus strand). Cytogenetic location: 1p36.32.
Variant type: Deletion.
Identifiers: ClinVar variation 665628 (VCV000665628.1).

ClinVar aggregate classification (germline): Pathogenic (1 of 4 stars; one submission).

Conditions:
Joubert syndrome 25 (JBTS25). Identifiers: Orphanet 475, MedGen C4084842, MONDO:0014770, OMIM 616781.

Submission:

Labcorp Genetics (formerly Invitae), Labcorp
Classification: Pathogenic for Joubert syndrome 25. Last evaluated: 2018-09-06. Review status: criteria provided, single submitter. Criteria: Invitae Variant Classification Sherloc (09022015). Collection method: clinical testing. Allele origin: germline.
Comment: A gross deletion of the genomic region encompassing the full coding sequence of the CEP104 gene has been identified. The boundaries of this event are unknown as the deletion extends beyond the assayed region for this gene and therefore may encompass additional genes. This variant has not been reported in the literature in individuals with a CEP104-related disease. Loss-of-function variants in CEP104 are known to be pathogenic (PMID: 26477546). For these reasons, this variant has been classified as Pathogenic.